The following is an entry in ClinVar:

NM_022916.6(VPS33A):c.422G>A (p.Ser141Asn)

Gene: VPS33A (VPS33A core subunit of CORVET and HOPS complexes; minus strand). Cytogenetic location: 12q24.31.
Variant type: single nucleotide variant.
Coding change: c.422G>A on transcript NM_022916.6 (MANE Select); coding-DNA position 422, G replaced by A.
Protein change: p.Ser141Asn; replaces serine 141 with asparagine.
Molecular consequence: missense variant.
Genome position (GRCh38, 1-based): chr12:122,261,322, C>T on the plus strand (G>A on the coding strand, the complement: VPS33A is on the minus strand). VCF-style: chr12-122261322-C-T. GRCh37 (hg19) VCF-style: chr12-122745869-C-T.
Other names: c.389G>A, p.Ser130Asn (NM_001351018.2); c.374G>A, p.Ser125Asn (NM_001351019.2); c.422G>A, p.Ser141Asn (NM_001351020.2, NM_001351021.2); short protein forms S125N, S130N, S141N.
Identifiers: ClinVar variation 2099654 (VCV002099654.4), dbSNP rs754052197, ClinGen allele CA6844609.

ClinVar aggregate classification (germline): Uncertain significance (1 of 4 stars; one submission).

Allele frequency attached by ClinVar (database versions not stated): gnomAD 0.00001; gnomAD exomes 0.00001; ExAC 0.00002; TOPMed 0.00002.

Submission:

Labcorp Genetics (formerly Invitae), Labcorp
Classification: Uncertain significance. Last evaluated: 2022-05-27. Review status: criteria provided, single submitter. Criteria: Invitae Variant Classification Sherloc (09022015). Collection method: clinical testing. Allele origin: germline.
Comment: This sequence change replaces serine, which is neutral and polar, with asparagine, which is neutral and polar, at codon 141 of the VPS33A protein (p.Ser141Asn). This variant is present in population databases (rs754052197, gnomAD 0.007%). This variant has not been reported in the literature in individuals affected with VPS33A-related conditions. Algorithms developed to predict the effect of missense changes on protein structure and function (SIFT, PolyPhen-2, Align-GVGD) all suggest that this variant is likely to be tolerated. In summary, the available evidence is currently insufficient to determine the role of this variant in disease. Therefore, it has been classified as a Variant of Uncertain Significance.